The following is an entry in ClinVar:

ClinVar aggregate classification (germline): Likely benign (1 of 4 stars; one submission).

Allele frequency attached by ClinVar (database versions not stated): 1000 Genomes Project 30x 0.00016; 1000 Genomes Project 0.00020; gnomAD 0.00021; TOPMed 0.00029; ESP Exome Variant Server 0.00039.
gnomAD v4.1: 483 of 1,614,036 alleles (0.03%); highest among the groups gnomAD compares: Middle Eastern, 0.049%; 1 homozygote.

Submission:

CeGaT Center for Human Genetics Tuebingen
Classification: Likely benign. Last evaluated: 2023-05-01. Review status: criteria provided, single submitter. Criteria: CeGaT Center For Human Genetics Tuebingen Variant Classification Criteria Version 2. Collection method: clinical testing. Allele origin: germline. Affected: yes. Observed: 1 variant allele.
Comment: KIAA1549L: BP4, BP7

NM_012194.3(KIAA1549L):c.3000C>G (p.Val1000=)

Gene: KIAA1549L (KIAA1549 like; plus strand). Cytogenetic location: 11p13.
Variant type: single nucleotide variant.
Coding change: c.3000C>G on transcript NM_012194.3 (MANE Select); coding-DNA position 3000, C replaced by G.
Protein change: p.Val1000=; no amino-acid change (valine 1000 retained).
Molecular consequence: synonymous variant.
Genome position (GRCh38, 1-based): chr11:33,544,993, C>G. VCF-style: chr11-33544993-C-G. GRCh37 (hg19) VCF-style: chr11-33566539-C-G.
Other names: c.810C>G, p.Val270= (NM_001410965.1).
Identifiers: ClinVar variation 2641715 (VCV002641715.24), dbSNP rs199569336, ClinGen allele CA5939630.